The following is an entry in ClinVar:

ClinVar aggregate classification (germline): Conflicting classifications of pathogenicity. Review status: criteria provided, conflicting classifications (1 of 4 stars). 3 submissions from 3 submitters: Uncertain significance (1); Likely benign (2). Last evaluated 2026-05-22.

Allele frequency attached by ClinVar (database versions not stated): gnomAD exomes 0.00002 and 0.00004; ExAC 0.00006.

Submissions (3):

Women's Health and Genetics/Laboratory Corporation of America, LabCorp
Classification: Likely benign. Last evaluated: 2026-05-22. Review status: criteria provided, single submitter. Criteria: LabCorp Variant Classification Summary - May 2015. Collection method: clinical testing. Allele origin: germline.

Ambry Genetics
Classification: Likely benign. Last evaluated: 2022-07-07. Review status: criteria provided, single submitter. Criteria: Ambry Variant Classification Scheme 2023. Collection method: clinical testing. Allele origin: germline.

Labcorp Genetics (formerly Invitae), Labcorp
Classification: Uncertain significance. Last evaluated: 2021-09-10. Review status: criteria provided, single submitter. Criteria: Invitae Variant Classification Sherloc (09022015). Collection method: clinical testing. Allele origin: germline.
Comment: This sequence change replaces glycine with aspartic acid at codon 375 of the ABRAXAS1 protein (p.Gly375Asp). The glycine residue is weakly conserved and there is a moderate physicochemical difference between glycine and aspartic acid. This variant is present in population databases (rs751122263, ExAC 0.04%). This variant has not been reported in the literature in individuals affected with ABRAXAS1-related conditions. Algorithms developed to predict the effect of missense changes on protein structure and function output the following: SIFT: "Tolerated"; PolyPhen-2: "Benign"; Align-GVGD: "Class C0". The aspartic acid amino acid residue is found in multiple mammalian species, which suggests that this missense change does not adversely affect protein function. In summary, the available evidence is currently insufficient to determine the role of this variant in disease. Therefore, it has been classified as a Variant of Uncertain Significance.

NM_139076.3(ABRAXAS1):c.1124G>A (p.Gly375Asp)

Gene: ABRAXAS1 (abraxas 1, BRCA1 A complex subunit; minus strand). Cytogenetic location: 4q21.23.
Variant type: single nucleotide variant.
Coding change: c.1124G>A on transcript NM_139076.3 (MANE Select); coding-DNA position 1124, G replaced by A.
Protein change: p.Gly375Asp; replaces glycine 375 with aspartic acid.
Molecular consequence: missense variant.
Genome position (GRCh38, 1-based): chr4:83,462,575, C>T on the plus strand (G>A on the coding strand, the complement: ABRAXAS1 is on the minus strand). VCF-style: chr4-83462575-C-T. GRCh37 (hg19) VCF-style: chr4-84383728-C-T.
Other names: c.797G>A, p.Gly266Asp (NM_001345962.2); short protein forms G266D, G375D.
Identifiers: ClinVar variation 1018995 (VCV001018995.10), dbSNP rs751122263, ClinGen allele CA2990369.
Genomic context (GRCh38, chr4:83,462,575, plus strand): 5'-TCAATTTCTTCATCTGTTTCTGGGCTGCTCATTTTGGATGCTTTATCTTGGTTACTACTA[C>T]CAGTATCTGCTTTAGATCGTTTGTCTTGTGTATCTAACAACCGAGATCTCTTGAATTGCC-3'
Protein context (NP_620775.2, residues 365-385): TQDKRSKADT[Gly375Asp]SSNQDKASKM